The following is an entry in ClinVar:

NM_000311.5(PRNP):c.705CTC[1] (p.Ser237del)

Gene: PRNP (prion protein (Kanno blood group); plus strand). Cytogenetic location: 20p13.
Variant type: Microsatellite.
Coding change: c.705CTC[1] on transcript NM_000311.5 (MANE Select); one copy of the 3-base unit CTC starting at c.705; the reference has two copies in a row; one copy, 3 bases deleted.
Protein change: p.Ser237del; deletes serine 237.
Molecular consequence: inframe deletion. On other transcripts: 3 prime UTR variant (1).
Genome position (GRCh38, 1-based): chr20:4,699,928-4,699,930, CTC deleted; deleting any 3 consecutive bases within chr20:4,699,925-4,699,930 gives the same sequence; the position shown is the placement nearest the transcript's 3' end. VCF-style (leftmost placement, unchanged base first): chr20-4699924-TCTC-T. GRCh37 (hg19) VCF-style: chr20-4680570-TCTC-T.
Other names: c.705CTC[1], p.Ser237del (NM_001080121.3, NM_001080122.3, NM_001080123.3 and 1 more transcripts); c.*394CTC[1] (NM_001271561.3); short protein forms S237del.
Identifiers: ClinVar variation 2652193 (VCV002652193.24), dbSNP rs1309879759, ClinGen allele CA634331351.

ClinVar aggregate classification (germline): Uncertain significance (1 of 4 stars; one submission).

Submission:

CeGaT Center for Human Genetics Tuebingen
Classification: Uncertain significance. Last evaluated: 2022-09-01. Review status: criteria provided, single submitter. Criteria: CeGaT Center For Human Genetics Tuebingen Variant Classification Criteria Version 2. Collection method: clinical testing. Allele origin: germline. Affected: yes. Observed: 1 variant allele.
Comment: PRNP: PM2, PM4:Supporting